The following is an entry in ClinVar:

NC_000012.12:g.93894119C>T

Gene: CRADD (CARD and death domain containing adaptor protein; plus strand). Cytogenetic location: 12q22.
Variant type: single nucleotide variant.
Molecular consequence: 3 prime UTR variant (on NM_001320100.2). On other transcripts: non-coding transcript variant (1).
Genome position: GRCh38 VCF-style: chr12-93894119-C-T. GRCh37 (hg19) VCF-style: chr12-94287895-C-T.
Other names: c.*2C>T (NM_001320100.2).
Identifiers: ClinVar variation 3061535 (VCV003061535.2), dbSNP rs2540661007, ClinGen allele CA2740092538.
Genomic context (GRCh38, chr12:93,894,119, plus strand): 5'-AACTGAGGCCAAAGGATTCTGTTACTTGCCTGGCTTCACAGCTCACCTGGAGATTCTGAA[C>T]TGGCATCTTCCTCTCTCTGCCATCACCCCAGACCCTACCCTCTTTCCTCTACACCAGTGG-3'

ClinVar aggregate classification (germline): Likely benign (0 of 4 stars; one submission).

Conditions:
CRADD-related disorder. Also called: CRADD-related condition.

Submission:

PreventionGenetics, part of Exact Sciences
Classification: Likely benign for CRADD-related condition. Last evaluated: 2021-11-11. Review status: no assertion criteria provided. Collection method: clinical testing. Allele origin: germline.
Comment: This variant is classified as likely benign based on ACMG/AMP sequence variant interpretation guidelines (Richards et al. 2015 PMID: 25741868, with internal and published modifications).